The following is an entry in ClinVar:

ClinVar aggregate classification (germline): Uncertain significance (1 of 4 stars; one submission).

Conditions:
Inborn genetic diseases. Identifiers: MedGen C0950123, MeSH D030342.

Submission:

Ambry Genetics
Classification: Uncertain significance for Inborn genetic diseases. Last evaluated: 2022-06-06. Review status: criteria provided, single submitter. Criteria: Ambry Variant Classification Scheme 2023. Collection method: clinical testing. Allele origin: germline.
Comment: The p.Q979E variant (also known as c.2935C>G), located in coding exon 21 of the LTBP3 gene, results from a C to G substitution at nucleotide position 2935. The glutamine at codon 979 is replaced by glutamic acid, an amino acid with highly similar properties. This amino acid position is conserved. In addition, the in silico prediction for this alteration is inconclusive. Since supporting evidence is limited at this time, the clinical significance of this alteration remains unclear.

NM_001130144.3(LTBP3):c.2935C>G (p.Gln979Glu)

Gene: LTBP3 (latent transforming growth factor beta binding protein 3; minus strand). Cytogenetic location: 11q13.1.
Variant type: single nucleotide variant.
Coding change: c.2935C>G on transcript NM_001130144.3 (MANE Select); coding-DNA position 2935, C replaced by G.
Protein change: p.Gln979Glu; replaces glutamine 979 with glutamic acid.
Molecular consequence: missense variant.
Genome position (GRCh38, 1-based): chr11:65,540,913, G>C on the plus strand (C>G on the coding strand, the complement: LTBP3 is on the minus strand). VCF-style: chr11-65540913-G-C. GRCh37 (hg19) VCF-style: chr11-65308384-G-C.
Other names: c.2584C>G, p.Gln862Glu (NM_001164266.1); c.2935C>G, p.Gln979Glu (NM_021070.4); short protein forms Q862E, Q979E.
Identifiers: ClinVar variation 1797860 (VCV001797860.2), dbSNP rs2496128674, ClinGen allele CA381268049.